The following is an entry in ClinVar:

ClinVar aggregate classification (germline): Uncertain significance (1 of 4 stars; one submission).

Conditions:
Adenylosuccinate lyase deficiency (ADSLD). Also called: ADSL DEFICIENCY. Identifiers: Orphanet 46, MedGen C0268126, MONDO:0007068, OMIM 103050.

Submission:

Labcorp Genetics (formerly Invitae), Labcorp
Classification: Uncertain significance for Adenylosuccinate lyase deficiency. Last evaluated: 2025-12-01. Review status: criteria provided, single submitter. Criteria: Invitae Variant Classification Sherloc (09022015). Collection method: clinical testing. Allele origin: germline.
Comment: This variant occurs in a non-coding region of the ADSL gene. It does not change the encoded amino acid sequence of the ADSL protein. This variant is present in population databases (no rsID available, gnomAD 0.03%). This variant has not been reported in the literature in individuals affected with ADSL-related conditions. Experimental studies and prediction algorithms are not available or were not evaluated, and the functional significance of this variant is currently unknown. In summary, the available evidence is currently insufficient to determine the role of this variant in disease. Therefore, it has been classified as a Variant of Uncertain Significance.

NC_000022.11:g.40346039dup

Gene: ADSL (adenylosuccinate lyase; plus strand). Cytogenetic location: 22q13.1.
Variant type: Duplication.
Genome position: GRCh38 VCF-style: chr22-40346037-T-TA. GRCh37 (hg19) VCF-style: chr22-40742041-T-TA.
Identifiers: ClinVar variation 1490198 (VCV001490198.6), dbSNP rs1396866470, ClinGen allele CA639407970.